The following is an entry in ClinVar:

NM_015205.3(ATP11A):c.405C>A (p.His135Gln)

Gene: ATP11A (ATPase phospholipid transporting 11A; plus strand). Cytogenetic location: 13q34.
Variant type: single nucleotide variant.
Coding change: c.405C>A on transcript NM_015205.3 (MANE Select); coding-DNA position 405, C replaced by A.
Protein change: p.His135Gln; replaces histidine 135 with glutamine.
Molecular consequence: missense variant.
Genome position (GRCh38, 1-based): chr13:112,810,690, C>A. VCF-style: chr13-112810690-C-A. GRCh37 (hg19) VCF-style: chr13-113465004-C-A.
Other names: c.405C>A, p.His135Gln (NM_001405661.1, NM_001405662.1, NM_001405663.1 and 1 more transcripts); short protein forms H135Q.
Identifiers: ClinVar variation 4990761 (VCV004990761.1).

ClinVar aggregate classification (germline): Uncertain significance (1 of 4 stars; one submission).

Conditions:
ATP11A-related disorder. Also called: ATP11A-related condition.

gnomAD v4.1: 6 of 1,614,056 alleles (0.00037%); highest among the groups gnomAD compares: African/African-American, 0.008%; no homozygotes.

Submission:

PreventionGenetics, part of Exact Sciences
Classification: Uncertain significance for ATP11A-related condition. Last evaluated: 2026-02-25. Review status: criteria provided, single submitter. Criteria: ACMG Guidelines, 2015. Collection method: clinical testing. Allele origin: germline.
Comment: The ATP11A c.405C>A variant is predicted to result in the amino acid substitution p.His135Gln. To our knowledge, this variant has not been reported in the literature. This variant is reported in 0.0062% of alleles in individuals of African descent in gnomAD. At this time, the clinical significance of this variant is uncertain due to the absence of conclusive functional and genetic evidence.